The following is an entry in ClinVar:

NM_002474.3(MYH11):c.3885G>T (p.Met1295Ile)

Genes: NDE1 (nudE neurodevelopment protein 1; plus strand), MYH11 (myosin heavy chain 11; minus strand). Cytogenetic location: 16p13.11.
Variant type: single nucleotide variant.
Coding change: c.3885G>T on transcript NM_002474.3 (MANE Select); coding-DNA position 3885, G replaced by T.
Protein change: p.Met1295Ile; replaces methionine 1295 with isoleucine.
Molecular consequence: missense variant. On other transcripts: 3 prime UTR variant (2).
Genome position (GRCh38, 1-based): chr16:15,724,966, C>A on the plus strand (G>T on the coding strand, the complement: MYH11 is on the minus strand). VCF-style: chr16-15724966-C-A. GRCh37 (hg19) VCF-style: chr16-15818823-C-A.
Other names: c.3906G>T, p.Met1302Ile (NM_001040113.2, NM_001040114.2); c.3885G>T, p.Met1295Ile (NM_022844.3); c.*715C>A (NM_001143979.2, NM_017668.3); short protein forms M1302I, M1295I.
Identifiers: ClinVar variation 926704 (VCV000926704.4), dbSNP rs2040677902, ClinGen allele CA394859190.
Genomic context (GRCh38, chr16:15,724,966, plus strand): 5'-GGAACTGAGGGACGCCACGTCCTTGGCCAGCTTAATGGCCTTCCCCTCGGCCTCGTTAAG[C>A]ATCCCTGTGACGCTCTCAACTTCATTCTAAGGGTGCCAAGAGACTGGTTAGTCAAAGCCT-3'
Protein context (NP_002465.1, residues 1285-1305): LQNEVESVTG[Met1295Ile]LNEAEGKAIK

ClinVar aggregate classification (germline): Uncertain significance (1 of 4 stars; one submission).

Conditions:
Familial thoracic aortic aneurysm and aortic dissection (TAAD). Also called: Thoracic aortic aneurysms and dissections. Identifiers: Orphanet 91387, MedGen C4707243, MONDO:0019625.

Allele frequency attached by ClinVar (database versions not stated): gnomAD exomes below 0.00001.
gnomAD v4.1: 1 of 1,614,108 alleles (0.000062%); highest among the groups gnomAD compares: Non-Finnish European, 0.000085%; no homozygotes.

Submission:

Color Diagnostics, LLC DBA Color Health
Classification: Uncertain significance for Familial thoracic aortic aneurysm and aortic dissection. Last evaluated: 2023-12-04. Review status: criteria provided, single submitter. Criteria: ACMG Guidelines, 2015. Collection method: clinical testing. Allele origin: germline.
Comment: This missense variant replaces methionine with isoleucine at codon 1302 of the MYH11 protein. Computational prediction suggests that this variant may not impact protein structure and function (internally defined REVEL score threshold <= 0.5, PMID: 27666373). To our knowledge, functional studies have not been reported for this variant. This variant has not been reported in individuals affected with MYH11-related disorders in the literature. This variant has not been identified in the general population by the Genome Aggregation Database (gnomAD). The available evidence is insufficient to determine the role of this variant in disease conclusively. Therefore, this variant is classified as a Variant of Uncertain Significance.